The following is an entry in ClinVar:

NM_004370.6(COL12A1):c.4724G>A (p.Arg1575Lys)

Gene: COL12A1 (collagen type XII alpha 1 chain; minus strand). Cytogenetic location: 6q13.
Variant type: single nucleotide variant.
Coding change: c.4724G>A on transcript NM_004370.6 (MANE Select); coding-DNA position 4724, G replaced by A.
Protein change: p.Arg1575Lys; replaces arginine 1575 with lysine.
Molecular consequence: missense variant.
Genome position (GRCh38, 1-based): chr6:75,143,355, C>T on the plus strand (G>A on the coding strand, the complement: COL12A1 is on the minus strand). VCF-style: chr6-75143355-C-T. GRCh37 (hg19) VCF-style: chr6-75853071-C-T.
Other names: c.1232G>A, p.Arg411Lys (NM_080645.3); short protein forms R411K, R1575K.
Identifiers: ClinVar variation 1911190 (VCV001911190.5), dbSNP rs1184205104, ClinGen allele CA364742372.

ClinVar aggregate classification (germline): Uncertain significance (1 of 4 stars; one submission).

Conditions:
Ullrich congenital muscular dystrophy 2 (UCMD2). Identifiers: Orphanet 75840, MedGen C4225314, MONDO:0014654, OMIM 616470.
Bethlem myopathy 2 (BTHLM2). Identifiers: Orphanet 536516, Orphanet 610, MedGen C4225313, MONDO:0034022, OMIM 616471.

Allele frequency attached by ClinVar (database versions not stated): TOPMed 0.00002.

Submission:

Labcorp Genetics (formerly Invitae), Labcorp
Classification: Uncertain significance for Bethlem myopathy 2; Ullrich congenital muscular dystrophy 2. Last evaluated: 2024-10-17. Review status: criteria provided, single submitter. Criteria: Invitae Variant Classification Sherloc (09022015). Collection method: clinical testing. Allele origin: germline.
Comment: This sequence change replaces arginine, which is basic and polar, with lysine, which is basic and polar, at codon 1575 of the COL12A1 protein (p.Arg1575Lys). This variant is not present in population databases (gnomAD no frequency). This variant has not been reported in the literature in individuals affected with COL12A1-related conditions. ClinVar contains an entry for this variant (Variation ID: 1911190). Invitae Evidence Modeling of protein sequence and biophysical properties (such as structural, functional, and spatial information, amino acid conservation, physicochemical variation, residue mobility, and thermodynamic stability) indicates that this missense variant is not expected to disrupt COL12A1 protein function with a negative predictive value of 80%. In summary, the available evidence is currently insufficient to determine the role of this variant in disease. Therefore, it has been classified as a Variant of Uncertain Significance.